The following is an entry in ClinVar:

NM_015629.4(PRPF31):c.708C>T (p.Gly236=)

Gene: PRPF31 (pre-mRNA processing factor 31; plus strand). Cytogenetic location: 19q13.42.
Variant type: single nucleotide variant.
Coding change: c.708C>T on transcript NM_015629.4 (MANE Select); coding-DNA position 708, C replaced by T.
Protein change: p.Gly236=; no amino-acid change (glycine 236 retained).
Molecular consequence: synonymous variant.
Genome position (GRCh38, 1-based): chr19:54,124,509, C>T. VCF-style: chr19-54124509-C-T. GRCh37 (hg19) VCF-style: chr19-54627888-C-T.
Other names: c.708C>T (NM_015629.3).
Identifiers: ClinVar variation 1654263 (VCV001654263.11), dbSNP rs370829672, ClinGen allele CA309326027.

ClinVar aggregate classification (germline): Likely benign. Review status: criteria provided, multiple submitters, no conflicts (2 of 4 stars). 3 submissions from 3 submitters: Likely benign (2). 1 of the submissions does not count toward it. Last evaluated 2025-01-12.

Conditions:
PRPF31-related disorder. Also called: PRPF31-related condition.

Allele frequency attached by ClinVar (database versions not stated): gnomAD 0.00004; TOPMed 0.00007; ESP Exome Variant Server 0.00008.
gnomAD v4.1: 46 of 1,604,994 alleles (0.0029%); highest among the groups gnomAD compares: African/African-American, 0.008%; no homozygotes.

Submissions (3):

Labcorp Genetics (formerly Invitae), Labcorp
Classification: Likely benign. Last evaluated: 2025-01-12. Review status: criteria provided, single submitter. Criteria: Invitae Variant Classification Sherloc (09022015). Collection method: clinical testing. Allele origin: germline.

Blueprint Genetics
Classification: Likely benign. Last evaluated: 2023-01-12. Review status: criteria provided, single submitter. Criteria: ACMG Guidelines, 2015. Collection method: clinical testing. Allele origin: germline.

PreventionGenetics, part of Exact Sciences
Classification: Likely benign for PRPF31-related condition. Last evaluated: 2019-07-11. Review status: no assertion criteria provided. Collection method: clinical testing. Allele origin: germline. Not counted in ClinVar's aggregate classification.
Comment: This variant is classified as likely benign based on ACMG/AMP sequence variant interpretation guidelines (Richards et al. 2015 PMID: 25741868, with internal and published modifications).